The following is an entry in ClinVar:

NM_006231.4(POLE):c.5849A>G (p.Gln1950Arg)

Gene: POLE (DNA polymerase epsilon, catalytic subunit; minus strand). Cytogenetic location: 12q24.33.
Variant type: single nucleotide variant.
Coding change: c.5849A>G on transcript NM_006231.4 (MANE Select); coding-DNA position 5849, A replaced by G.
Protein change: p.Gln1950Arg; replaces glutamine 1950 with arginine.
Molecular consequence: missense variant.
Genome position (GRCh38, 1-based): chr12:132,634,341, T>C on the plus strand (A>G on the coding strand, the complement: POLE is on the minus strand). VCF-style: chr12-132634341-T-C. GRCh37 (hg19) VCF-style: chr12-133210927-T-C.
Other names: short protein forms Q1950R.
Identifiers: ClinVar variation 3781579 (VCV003781579.1).
Genomic context (GRCh38, chr12:132,634,341, plus strand): 5'-GATTCCTCCGCCTCTTCCTCCTCCTCCCCATCTCTTTCCTCCTCATCGTCCTCATTTTCC[T>C]GCTCATCCTCTGCTCCCCCTGCTTTCTGGGAGTCTTGCTGTAACACATGAGACAACGCGG-3'
Protein context (NP_006222.2, residues 1940-1960): SQKAGGAEDE[Gln1950Arg]ENEDDEEERD

ClinVar aggregate classification (germline): Uncertain significance (1 of 4 stars; one submission).

Conditions:
Hereditary cancer-predisposing syndrome. Also called: Neoplastic Syndromes, Hereditary; Hereditary Cancer Syndrome; Tumor predisposition; Hereditary neoplastic syndrome. Identifiers: Orphanet 140162, MedGen C0027672, MeSH D009386, MONDO:0015356.

Submission:

Ambry Genetics
Classification: Uncertain significance for Hereditary cancer-predisposing syndrome. Last evaluated: 2025-02-03. Review status: criteria provided, single submitter. Criteria: Ambry Variant Classification Scheme 2023. Collection method: clinical testing. Allele origin: germline.
Comment: The p.Q1950R variant (also known as c.5849A>G), located in coding exon 43 of the POLE gene, results from an A to G substitution at nucleotide position 5849. The glutamine at codon 1950 is replaced by arginine, an amino acid with highly similar properties. This amino acid position is conserved. In addition, this alteration is predicted to be tolerated by in silico analysis. Based on the available evidence, the clinical significance of this variant remains unclear.